The following is an entry in ClinVar:

NM_024675.4(PALB2):c.345A>G (p.Gly115=)

Gene: PALB2 (partner and localizer of BRCA2; minus strand). Cytogenetic location: 16p12.2.
Variant type: single nucleotide variant.
Coding change: c.345A>G on transcript NM_024675.4 (MANE Select); coding-DNA position 345, A replaced by G.
Protein change: p.Gly115=; no amino-acid change (glycine 115 retained).
Molecular consequence: synonymous variant.
Genome position (GRCh38, 1-based): chr16:23,636,201, T>C on the plus strand (A>G on the coding strand, the complement: PALB2 is on the minus strand). VCF-style: chr16-23636201-T-C. GRCh37 (hg19) VCF-style: chr16-23647522-T-C.
Identifiers: ClinVar variation 830100 (VCV000830100.1), dbSNP rs1597099510, ClinGen allele CA494462275.

ClinVar aggregate classification (germline): Uncertain significance (0 of 4 stars; one submission).

Submission:

Leiden Open Variation Database
Classification: Uncertain significance. Last evaluated: 2018-08-25. Review status: no assertion criteria provided. Collection method: curation. Allele origin: germline. Affected: yes.
Comment: Curators: Marc Tischkowitz, Arleen D. Auerbach. Submitter to LOVD: Yukihide Momozawa.

Literature cited by the submitters: PubMed 30287823.